The following is an entry in ClinVar:

ClinVar aggregate classification (germline): Uncertain significance (1 of 4 stars; one submission).

Conditions:
Early-infantile DEE. Also called: Early infantile epileptic encephalopathy; Early infantile epileptic encephalopathy with suppression bursts; Ohtahara syndrome. Identifiers: Orphanet 1934, MedGen C0393706, MONDO:0800491.

Allele frequency attached by ClinVar (database versions not stated): ExAC 0.00001.

Submission:

Labcorp Genetics (formerly Invitae), Labcorp
Classification: Uncertain significance for Early-infantile DEE. Last evaluated: 2022-12-27. Review status: criteria provided, single submitter. Criteria: Invitae Variant Classification Sherloc (09022015). Collection method: clinical testing. Allele origin: germline.
Comment: This variant is present in population databases (rs765485870, gnomAD 0.0009%). This sequence change replaces glutamine, which is neutral and polar, with arginine, which is basic and polar, at codon 1541 of the SCN1A protein (p.Gln1541Arg). This variant has not been reported in the literature in individuals affected with SCN1A-related conditions. Advanced modeling of protein sequence and biophysical properties (such as structural, functional, and spatial information, amino acid conservation, physicochemical variation, residue mobility, and thermodynamic stability) performed at Invitae indicates that this missense variant is expected to disrupt SCN1A protein function. In summary, the available evidence is currently insufficient to determine the role of this variant in disease. Therefore, it has been classified as a Variant of Uncertain Significance.

NM_001165963.4(SCN1A):c.4622A>G (p.Gln1541Arg)

Genes: SCN1A (sodium voltage-gated channel alpha subunit 1; minus strand), LOC102724058 (uncharacterized LOC102724058; plus strand). Cytogenetic location: 2q24.3.
Variant type: single nucleotide variant.
Coding change: c.4622A>G on transcript NM_001165963.4 (MANE Select); coding-DNA position 4622, A replaced by G.
Protein change: p.Gln1541Arg; replaces glutamine 1541 with arginine.
Molecular consequence: missense variant. On other transcripts: non-coding transcript variant (1).
Genome position (GRCh38, 1-based): chr2:165,994,376, T>C on the plus strand (A>G on the coding strand, the complement: SCN1A is on the minus strand). VCF-style: chr2-165994376-T-C. GRCh37 (hg19) VCF-style: chr2-166850886-T-C.
Other names: c.4538A>G, p.Gln1513Arg (NM_001165964.3, NM_001353957.2, NM_001353958.2); c.4622A>G, p.Gln1541Arg (NM_001202435.3, NM_001353948.2); c.4589A>G, p.Gln1530Arg (NM_001353949.2, NM_001353950.2, NM_006920.6 and 2 more transcripts); c.4586A>G, p.Gln1529Arg (NM_001353954.2, NM_001353955.2); c.4535A>G, p.Gln1512Arg (NM_001353960.2); c.2180A>G, p.Gln727Arg (NM_001353961.2); short protein forms Q1512R, Q1530R, Q1513R, Q1529R, Q1541R, Q727R.
Identifiers: ClinVar variation 2811613 (VCV002811613.3), dbSNP rs765485870, ClinGen allele CA1942755.